The following is an entry in ClinVar:

NM_001571.6(IRF3):c.834G>A (p.Gly278=)

Gene: IRF3 (interferon regulatory factor 3; minus strand). Cytogenetic location: 19q13.33.
Variant type: single nucleotide variant.
Coding change: c.834G>A on transcript NM_001571.6 (MANE Select); coding-DNA position 834, G replaced by A.
Protein change: p.Gly278=; no amino-acid change (glycine 278 retained).
Molecular consequence: synonymous variant. On other transcripts: non-coding transcript variant (1), intron variant (3).
Genome position (GRCh38, 1-based): chr19:49,662,096, C>T on the plus strand (G>A on the coding strand, the complement: IRF3 is on the minus strand). VCF-style: chr19-49662096-C-T. GRCh37 (hg19) VCF-style: chr19-50165353-C-T.
Other names: c.834G>A, p.Gly278= (NM_001197122.2); c.729G>A, p.Gly243= (NM_001197123.2); c.396G>A, p.Gly132= (NM_001197125.2, NM_001197126.2); c.163+329G>A (NM_001197128.2, NM_001197127.2); c.601+329G>A (NM_001197124.2).
Identifiers: ClinVar variation 3042156 (VCV003042156.2), dbSNP rs1038455953, ClinGen allele CA309527385.

ClinVar aggregate classification (germline): Likely benign (0 of 4 stars; one submission).

Conditions:
IRF3-related disorder. Also called: IRF3-related condition.

Allele frequency attached by ClinVar (database versions not stated): gnomAD exomes below 0.00001; gnomAD 0.00001; TOPMed 0.00002.

Submission:

PreventionGenetics, part of Exact Sciences
Classification: Likely benign for IRF3-related condition. Last evaluated: 2019-06-05. Review status: no assertion criteria provided. Collection method: clinical testing. Allele origin: germline.
Comment: This variant is classified as likely benign based on ACMG/AMP sequence variant interpretation guidelines (Richards et al. 2015 PMID: 25741868, with internal and published modifications).